The following is an entry in ClinVar:

ClinVar aggregate classification (germline): Uncertain significance (1 of 4 stars; one submission).

Conditions:
Leigh syndrome (NULS). Also called: Leigh's necrotizing encephalopathy; Leigh's disease; Leigh's syndrome; LEIGH SYNDROME, NUCLEAR; Leigh Syndrome (mtDNA deletion); Leigh Disease. Identifiers: Orphanet 506, MedGen C2931891, MONDO:0009723, OMIM 256000.

Submission:

Wong Mito Lab, Molecular and Human Genetics, Baylor College of Medicine
Classification: Uncertain significance for Leigh syndrome. Last evaluated: 2019-10-17. Review status: criteria provided, single submitter. Criteria: Modified ACMG Guidelines (Unpublished). Collection method: clinical testing. Allele origin: germline.
Comment: The NC_012920.1:m.14786A>G (YP_003024038.1:p.Ile14Val) variant in MTCYB gene is interpretated to be a Uncertain Significance variant based on the modified ACMG guidelines (unpublished). This variant meets the following evidence codes: PP7, BP4

NC_012920.1(MT-CYB):m.14786A>G

Gene: MT-CYB (mitochondrially encoded cytochrome b; plus strand).
Variant type: single nucleotide variant.
Genome position: chrM-14786-A-G.
Identifiers: ClinVar variation 693763 (VCV000693763.1), dbSNP rs1603224884, ClinGen allele CA913172083.